The following is an entry in ClinVar:

NM_001378030.1(CCDC78):c.515C>T (p.Ala172Val)

Gene: CCDC78 (coiled-coil domain containing 78; minus strand). Cytogenetic location: 16p13.3.
Variant type: single nucleotide variant.
Coding change: c.515C>T on transcript NM_001378030.1 (MANE Select); coding-DNA position 515, C replaced by T.
Protein change: p.Ala172Val; replaces alanine 172 with valine.
Molecular consequence: missense variant. On other transcripts: synonymous variant (1), non-coding transcript variant (5).
Genome position (GRCh38, 1-based): chr16:725,123, G>A on the plus strand (C>T on the coding strand, the complement: CCDC78 is on the minus strand). VCF-style: chr16-725123-G-A. GRCh37 (hg19) VCF-style: chr16-775123-G-A.
Other names: c.515C>T, p.Ala172Val (NM_001031737.3, NM_001378031.1); c.153C>T, p.Gly51= (NM_001378033.1); short protein forms A172V.
Identifiers: ClinVar variation 2046739 (VCV002046739.4), dbSNP rs752010401, ClinGen allele CA7789546.

ClinVar aggregate classification (germline): Uncertain significance (1 of 4 stars; one submission).

Conditions:
Congenital myopathy with internal nuclei and atypical cores. Also called: Myopathy, centronuclear, 4. Identifiers: Orphanet 319160, MedGen C4707232, MONDO:0013890, OMIM 614807.

Allele frequency attached by ClinVar (database versions not stated): gnomAD exomes 0.00002; ExAC 0.00003; gnomAD 0.00003; TOPMed 0.00003.

Submission:

Labcorp Genetics (formerly Invitae), Labcorp
Classification: Uncertain significance for Congenital myopathy with internal nuclei and atypical cores. Last evaluated: 2025-11-19. Review status: criteria provided, single submitter. Criteria: Invitae Variant Classification Sherloc (09022015). Collection method: clinical testing. Allele origin: germline.
Comment: This sequence change replaces alanine, which is neutral and non-polar, with valine, which is neutral and non-polar, at codon 172 of the CCDC78 protein (p.Ala172Val). This variant is present in population databases (rs752010401, gnomAD 0.01%). This variant has not been reported in the literature in individuals affected with CCDC78-related conditions. ClinVar contains an entry for this variant (Variation ID: 2046739). Invitae Evidence Modeling of protein sequence and biophysical properties (such as structural, functional, and spatial information, amino acid conservation, physicochemical variation, residue mobility, and thermodynamic stability) indicates that this missense variant is not expected to disrupt CCDC78 protein function with a negative predictive value of 80%. In summary, the available evidence is currently insufficient to determine the role of this variant in disease. Therefore, it has been classified as a Variant of Uncertain Significance.